The following is an entry in ClinVar:

NM_138927.4(SON):c.5837G>A (p.Arg1946Lys)

Gene: SON (SON DNA and RNA binding protein; plus strand). Cytogenetic location: 21q22.11.
Variant type: single nucleotide variant.
Coding change: c.5837G>A on transcript NM_138927.4 (MANE Select); coding-DNA position 5837, G replaced by A.
Protein change: p.Arg1946Lys; replaces arginine 1946 with lysine.
Molecular consequence: missense variant. On other transcripts: non-coding transcript variant (1), intron variant (1).
Genome position (GRCh38, 1-based): chr21:33,555,068, G>A. VCF-style: chr21-33555068-G-A. GRCh37 (hg19) VCF-style: chr21-34927374-G-A.
Other names: c.5837G>A, p.Arg1946Lys (NM_001291411.2, NM_032195.3); c.245-2088G>A (NM_001291412.3); short protein forms R1946K.
Identifiers: ClinVar variation 3725930 (VCV003725930.2).

ClinVar aggregate classification (germline): Uncertain significance (1 of 4 stars; one submission).

Submission:

Labcorp Genetics (formerly Invitae), Labcorp
Classification: Uncertain significance. Last evaluated: 2024-11-24. Review status: criteria provided, single submitter. Criteria: Invitae Variant Classification Sherloc (09022015). Collection method: clinical testing. Allele origin: germline.
Comment: This sequence change replaces arginine, which is basic and polar, with lysine, which is basic and polar, at codon 1946 of the SON protein (p.Arg1946Lys). This variant is not present in population databases (gnomAD no frequency). This variant has not been reported in the literature in individuals affected with SON-related conditions. Experimental studies and prediction algorithms are not available or were not evaluated, and the functional significance of this variant is currently unknown. In summary, the available evidence is currently insufficient to determine the role of this variant in disease. Therefore, it has been classified as a Variant of Uncertain Significance.